The following is an entry in ClinVar:

ClinVar aggregate classification (germline): Uncertain significance. Review status: criteria provided, multiple submitters, no conflicts (2 of 4 stars). 2 submissions from 2 submitters: Uncertain significance (2). Last evaluated 2025-12-17.

Conditions:
Hereditary nonpolyposis colorectal neoplasms. Identifiers: MedGen C0009405, MeSH D003123.
Hereditary cancer-predisposing syndrome. Also called: Tumor predisposition; Hereditary Cancer Syndrome; Hereditary neoplastic syndrome; Neoplastic Syndromes, Hereditary. Identifiers: Orphanet 140162, MedGen C0027672, MeSH D009386, MONDO:0015356.

gnomAD v4.1: 2 of 1,612,444 alleles (0.00012%); highest among the groups gnomAD compares: Non-Finnish European, 0.00017%; no homozygotes.

Submissions (2):

Ambry Genetics
Classification: Uncertain significance for Hereditary cancer-predisposing syndrome. Last evaluated: 2025-12-17. Review status: criteria provided, single submitter. Criteria: Ambry Variant Classification Scheme 2023. Collection method: clinical testing. Allele origin: germline.
Comment: The p.Y1044H variant (also known as c.3130T>C), located in coding exon 4 of the MSH6 gene, results from a T to C substitution at nucleotide position 3130. The tyrosine at codon 1044 is replaced by histidine, an amino acid with similar properties. This amino acid position is well conserved in available vertebrate species. In addition, the in silico prediction for this alteration is inconclusive. Based on the available evidence, the clinical significance of this variant remains unclear.

Labcorp Genetics (formerly Invitae), Labcorp
Classification: Uncertain significance for Hereditary nonpolyposis colorectal neoplasms. Last evaluated: 2025-02-23. Review status: criteria provided, single submitter. Criteria: Invitae Variant Classification Sherloc (09022015). Collection method: clinical testing. Allele origin: germline.
Comment: This sequence change replaces tyrosine, which is neutral and polar, with histidine, which is basic and polar, at codon 1044 of the MSH6 protein (p.Tyr1044His). This variant is not present in population databases (gnomAD no frequency). This variant has not been reported in the literature in individuals affected with MSH6-related conditions. ClinVar contains an entry for this variant (Variation ID: 1727967). Invitae Evidence Modeling of protein sequence and biophysical properties (such as structural, functional, and spatial information, amino acid conservation, physicochemical variation, residue mobility, and thermodynamic stability) indicates that this missense variant is not expected to disrupt MSH6 protein function with a negative predictive value of 95%. In summary, the available evidence is currently insufficient to determine the role of this variant in disease. Therefore, it has been classified as a Variant of Uncertain Significance.

NM_000179.3(MSH6):c.3130T>C (p.Tyr1044His)

Gene: MSH6 (mutS homolog 6; plus strand). Cytogenetic location: 2p16.3.
Variant type: single nucleotide variant.
Coding change: c.3130T>C on transcript NM_000179.3 (MANE Select); coding-DNA position 3130, T replaced by C.
Protein change: p.Tyr1044His; replaces tyrosine 1044 with histidine.
Molecular consequence: missense variant.
Genome position (GRCh38, 1-based): chr2:47,801,113, T>C. VCF-style: chr2-47801113-T-C. GRCh37 (hg19) VCF-style: chr2-48028252-T-C.
Other names: c.2224T>C, p.Tyr742His (NM_001406815.1, NM_001406816.1, NM_001406823.1 and 6 more transcripts); c.2833T>C, p.Tyr945His (NM_001406818.1, NM_001406819.1, NM_001406820.1 and 10 more transcripts); c.2740T>C, p.Tyr914His (NM_001281492.2); c.3226T>C, p.Tyr1076His (NM_001406795.1, NM_001406802.1); c.3130T>C, p.Tyr1044His (NM_001406796.1, NM_001406798.1, NM_001406800.1 and 2 more transcripts); c.2605T>C, p.Tyr869His (NM_001406799.1, NM_001406806.1, NM_001406807.1); c.3052T>C, p.Tyr1018His (NM_001406804.1); c.3136T>C, p.Tyr1046His (NM_001406813.1); and 2 more; short protein forms Y1044H, Y869H, Y945H, Y914H, Y1046H, Y359H, Y1018H, Y1076H.
Identifiers: ClinVar variation 1727967 (VCV001727967.8), dbSNP rs1346694568, ClinGen allele CA346756662.
Genomic context (GRCh38, chr2:47,801,113, plus strand): 5'-CGGAGGGATGTATCATTGAAGGACTGCATGCGGCGACTGTTCTATAACTTTGATAAAAAT[T>C]ACAAGGACTGGCAGTCTGCTGTAGAGTGTATCGCAGTGTTGGGTAAGACTTTGAACAAGC-3'
Protein context (NP_000170.1, residues 1034-1054): RRLFYNFDKN[Tyr1044His]KDWQSAVECI